The following is an entry in ClinVar:

NM_006736.6(DNAJB2):c.449T>C (p.Phe150Ser)

Gene: DNAJB2 (DnaJ heat shock protein family (Hsp40) member B2; plus strand). Cytogenetic location: 2q35.
Variant type: single nucleotide variant.
Coding change: c.449T>C on transcript NM_006736.6 (MANE Select); coding-DNA position 449, T replaced by C.
Protein change: p.Phe150Ser; replaces phenylalanine 150 with serine.
Molecular consequence: missense variant.
Genome position (GRCh38, 1-based): chr2:219,283,136, T>C. VCF-style: chr2-219283136-T-C. GRCh37 (hg19) VCF-style: chr2-220147858-T-C.
Other names: c.449T>C, p.Phe150Ser (NM_001039550.2); short protein forms F150S.
Identifiers: ClinVar variation 968026 (VCV000968026.10), dbSNP rs1951921696, ClinGen allele CA350650090.

ClinVar aggregate classification (germline): Uncertain significance (1 of 4 stars; one submission).

Conditions:
Neuronopathy, distal hereditary motor, autosomal recessive 5. Also called: Spinal muscular atrophy, distal, autosomal recessive, 5; Young adult-onset distal hereditary motor neuropathy; NEUROPATHY, DISTAL HEREDITARY MOTOR, AUTOSOMAL RECESSIVE 5. Identifiers: Orphanet 314485, Orphanet 443950, MedGen C4749918, MONDO:0013947, OMIM 614881.

Submission:

Labcorp Genetics (formerly Invitae), Labcorp
Classification: Uncertain significance for Neuronopathy, distal hereditary motor, autosomal recessive 5. Last evaluated: 2019-10-18. Review status: criteria provided, single submitter. Criteria: Invitae Variant Classification Sherloc (09022015). Collection method: clinical testing. Allele origin: germline.
Comment: In summary, the available evidence is currently insufficient to determine the role of this variant in disease. Therefore, it has been classified as a Variant of Uncertain Significance. Algorithms developed to predict the effect of missense changes on protein structure and function (SIFT, PolyPhen-2, Align-GVGD) all suggest that this variant is likely to be tolerated, but these predictions have not been confirmed by published functional studies and their clinical significance is uncertain. This variant has not been reported in the literature in individuals with DNAJB2-related conditions. This variant is not present in population databases (ExAC no frequency). This sequence change replaces phenylalanine with serine at codon 150 of the DNAJB2 protein (p.Phe150Ser). The phenylalanine residue is highly conserved and there is a large physicochemical difference between phenylalanine and serine.